The following is an entry in ClinVar:

ClinVar aggregate classification (germline): Uncertain significance (1 of 4 stars; one submission).

Conditions:
Arrhythmogenic right ventricular dysplasia 12. Also called: ARRHYTHMOGENIC RIGHT VENTRICULAR DYSPLASIA, FAMILIAL, 12. Identifiers: MedGen C1969081, MONDO:0012684, OMIM 611528.
Naxos disease (NXD). Also called: KERATOSIS PALMOPLANTARIS WITH ARRHYTHMOGENIC CARDIOMYOPATHY; MAL DE NAXOS; PALMOPLANTAR KERATODERMA WITH ARRHYTHMOGENIC RIGHT VENTRICULAR CARDIOMYOPATHY AND WOOLLY HAIR; WOOLLY HAIR, PALMOPLANTAR KERATODERMA, AND CARDIAC ABNORMALITIES; CARDIOMYOPATHY, ARRHYTHMOGENIC RIGHT VENTRICULAR, WITH SKIN, HAIR, AND NAIL ABNORMALITIES. Identifiers: Orphanet 34217, MedGen C1832600, MONDO:0011017, OMIM 601214.

Submission:

Labcorp Genetics (formerly Invitae), Labcorp
Classification: Uncertain significance for Arrhythmogenic right ventricular dysplasia 12; Naxos disease. Last evaluated: 2023-10-24. Review status: criteria provided, single submitter. Criteria: Invitae Variant Classification Sherloc (09022015). Collection method: clinical testing. Allele origin: germline.
Comment: This sequence change replaces glycine, which is neutral and non-polar, with serine, which is neutral and polar, at codon 41 of the JUP protein (p.Gly41Ser). This variant is not present in population databases (gnomAD no frequency). This variant has not been reported in the literature in individuals affected with JUP-related conditions. An algorithm developed to predict the effect of missense changes on protein structure and function (PolyPhen-2) suggests that this variant is likely to be tolerated. In summary, the available evidence is currently insufficient to determine the role of this variant in disease. Therefore, it has been classified as a Variant of Uncertain Significance.

NM_002230.4(JUP):c.121G>A (p.Gly41Ser)

Gene: JUP (junction plakoglobin; minus strand). Cytogenetic location: 17q21.2.
Variant type: single nucleotide variant.
Coding change: c.121G>A on transcript NM_002230.4 (MANE Select); coding-DNA position 121, G replaced by A.
Protein change: p.Gly41Ser; replaces glycine 41 with serine.
Molecular consequence: missense variant.
Genome position (GRCh38, 1-based): chr17:41,771,734, C>T on the plus strand (G>A on the coding strand, the complement: JUP is on the minus strand). VCF-style: chr17-41771734-C-T. GRCh37 (hg19) VCF-style: chr17-39927986-C-T.
Other names: c.121G>A, p.Gly41Ser (NM_001352773.2, NM_001352774.2, NM_001352775.2 and 3 more transcripts); short protein forms G41S.
Identifiers: ClinVar variation 2935365 (VCV002935365.3), dbSNP rs2544215834, ClinGen allele CA399506914.